The following is an entry in ClinVar:

ClinVar aggregate classification (germline): Uncertain significance (1 of 4 stars; one submission).

Conditions:
Norman-Roberts syndrome (LIS2). Also called: Lissencephaly 2 (Norman-Roberts type). Identifiers: Orphanet 89844, MedGen C0796089, MONDO:0009760, OMIM 257320.
Familial temporal lobe epilepsy 7. Identifiers: Orphanet 101046, MedGen C4225327, MONDO:0014639, OMIM 616436.

Submission:

Labcorp Genetics (formerly Invitae), Labcorp
Classification: Uncertain significance for Familial temporal lobe epilepsy 7; Norman-Roberts syndrome. Last evaluated: 2024-02-17. Review status: criteria provided, single submitter. Criteria: Invitae Variant Classification Sherloc (09022015). Collection method: clinical testing. Allele origin: germline.
Comment: This sequence change replaces glutamine, which is neutral and polar, with arginine, which is basic and polar, at codon 2310 of the RELN protein (p.Gln2310Arg). This variant is not present in population databases (gnomAD no frequency). This variant has not been reported in the literature in individuals affected with RELN-related conditions. ClinVar contains an entry for this variant (Variation ID: 1362618). An algorithm developed to predict the effect of missense changes on protein structure and function (PolyPhen-2) suggests that this variant is likely to be disruptive. Algorithms developed to predict the effect of sequence changes on RNA splicing suggest that this variant may disrupt the consensus splice site. In summary, the available evidence is currently insufficient to determine the role of this variant in disease. Therefore, it has been classified as a Variant of Uncertain Significance.

NM_005045.4(RELN):c.6929A>G (p.Gln2310Arg)

Gene: RELN (reelin; minus strand). Cytogenetic location: 7q22.1.
Variant type: single nucleotide variant.
Coding change: c.6929A>G on transcript NM_005045.4 (MANE Select); coding-DNA position 6929, A replaced by G.
Protein change: p.Gln2310Arg; replaces glutamine 2310 with arginine.
Molecular consequence: missense variant.
Genome position (GRCh38, 1-based): chr7:103,540,198, T>C on the plus strand (A>G on the coding strand, the complement: RELN is on the minus strand). VCF-style: chr7-103540198-T-C. GRCh37 (hg19) VCF-style: chr7-103180645-T-C.
Other names: c.6929A>G, p.Gln2310Arg (NM_173054.3); short protein forms Q2310R.
Identifiers: ClinVar variation 1362618 (VCV001362618.8), dbSNP rs2117129132, ClinGen allele CA368769650.